The following is an entry in ClinVar:

NM_147127.5(EVC2):c.437_438dup (p.Thr147Ter)

Gene: EVC2 (EvC ciliary complex subunit 2; minus strand). Cytogenetic location: 4p16.2.
Variant type: Microsatellite.
Coding change: c.437_438dup on transcript NM_147127.5 (MANE Select); coding-DNA positions 437 to 438, 2 bases duplicated (TA; older notation c.437_438dupTA).
Protein change: p.Thr147Ter; replaces threonine 147 with a stop codon.
Molecular consequence: nonsense.
Genome position (GRCh38, 1-based): chr4:5,694,347-5,694,348, TA duplicated on the plus strand (TA on the coding strand, the reverse complement: EVC2 is on the minus strand); duplicating any 2 consecutive bases within chr4:5,694,347-5,694,350 gives the same sequence; the c. name uses the placement nearest the transcript's 3' end. VCF-style (leftmost placement, unchanged base first): chr4-5694346-T-TTA. GRCh37 (hg19) VCF-style: chr4-5696073-T-TTA.
Other names: c.197_198dup, p.Thr67Ter (NM_001166136.2); short protein forms T67*, T147*.
Identifiers: ClinVar variation 2029356 (VCV002029356.4), dbSNP rs2474100239, ClinGen allele CA2580616065.
Genomic context (GRCh38, chr4:5,694,346, plus strand): 5'-TATTTCCAACTTCTGGTATTTGTGTTAAAGCATTGAACTTAATACTTACCAGGCGGTGTG[T>TTA]TATAGGAGACTCTCTTTTAAATAAGTTCTTCTTAGGCCAGGAGGGTATAAAAGCAAATAA-3'

ClinVar aggregate classification (germline): Pathogenic (1 of 4 stars; one submission).

Conditions:
Ellis-van Creveld syndrome (EVC). Also called: MESOECTODERMAL DYSPLASIA; EVC-Related Ellis-van Creveld Syndrome; EVC2-Related Ellis-van Creveld Syndrome; Chondroectodermal dysplasia. Identifiers: Orphanet 289, MedGen C0013903, MONDO:0009162, OMIM 225500.
Curry-Hall syndrome (WAD). Also called: WEYERS ACRODENTAL DYSOSTOSIS. Identifiers: Orphanet 952, MedGen C0457013, MONDO:0008673, OMIM 193530.

Submission:

Labcorp Genetics (formerly Invitae), Labcorp
Classification: Pathogenic for Curry-Hall syndrome; Ellis-van Creveld syndrome. Last evaluated: 2023-10-17. Review status: criteria provided, single submitter. Criteria: Invitae Variant Classification Sherloc (09022015). Collection method: clinical testing. Allele origin: germline.
Comment: This sequence change creates a premature translational stop signal (p.Thr147*) in the EVC2 gene. It is expected to result in an absent or disrupted protein product. Loss-of-function variants in EVC2 are known to be pathogenic (PMID: 17024374, 19810119, 19876929). This variant is not present in population databases (gnomAD no frequency). This variant has not been reported in the literature in individuals affected with EVC2-related conditions. For these reasons, this variant has been classified as Pathogenic.

Literature cited by the submitters: PubMed 17024374; PubMed 19810119; PubMed 19876929.